The following is an entry in ClinVar:

NM_001563.4(IMPG1):c.115C>T (p.Pro39Ser)

Gene: IMPG1 (interphotoreceptor matrix proteoglycan 1; minus strand). Cytogenetic location: 6q14.1.
Variant type: single nucleotide variant.
Coding change: c.115C>T on transcript NM_001563.4 (MANE Select); coding-DNA position 115, C replaced by T.
Protein change: p.Pro39Ser; replaces proline 39 with serine.
Molecular consequence: missense variant. On other transcripts: intron variant (1).
Genome position (GRCh38, 1-based): chr6:76,042,079, G>A on the plus strand (C>T on the coding strand, the complement: IMPG1 is on the minus strand). VCF-style: chr6-76042079-G-A. GRCh37 (hg19) VCF-style: chr6-76751796-G-A.
Other names: c.68-7292C>T (NM_001282368.2); c.115C>T (NM_001563.2); short protein forms P39S.
Identifiers: ClinVar variation 834865 (VCV000834865.11), dbSNP rs148546546, ClinGen allele CA3898638.

ClinVar aggregate classification (germline): Uncertain significance. Review status: criteria provided, multiple submitters, no conflicts (2 of 4 stars). 4 submissions from 4 submitters: Uncertain significance (4). Last evaluated 2026-06-20.

Conditions:
IMPG1-related disorder. Also called: IMPG1-related condition.

Allele frequency attached by ClinVar (database versions not stated): gnomAD exomes 0.00005; ExAC 0.00007; 1000 Genomes Project 30x 0.00016; TOPMed 0.00018; 1000 Genomes Project 0.00020; gnomAD 0.00021 and 0.00026; ESP Exome Variant Server 0.00031.

Submissions (4):

PreventionGenetics, part of Exact Sciences
Classification: Uncertain significance for IMPG1-related condition. Last evaluated: 2026-06-20. Review status: criteria provided, single submitter. Criteria: ACMG Guidelines, 2015. Collection method: clinical testing. Allele origin: germline.
Comment: The IMPG1 c.115C>T variant is predicted to result in the amino acid substitution p.Pro39Ser. To our knowledge, this variant has not been reported in the literature. This variant is reported in 0.076% of alleles in individuals of African descent in gnomAD, which may be too frequent to be a primary cause of disease. Although we suspect that this variant may be benign, at this time, the clinical significance of this variant is uncertain due to the absence of conclusive functional and genetic evidence.

Labcorp Genetics (formerly Invitae), Labcorp
Classification: Uncertain significance. Last evaluated: 2025-10-05. Review status: criteria provided, single submitter. Criteria: Invitae Variant Classification Sherloc (09022015). Collection method: clinical testing. Allele origin: germline.
Comment: This sequence change replaces proline, which is neutral and non-polar, with serine, which is neutral and polar, at codon 39 of the IMPG1 protein (p.Pro39Ser). This variant is present in population databases (rs148546546, gnomAD 0.07%). This variant has not been reported in the literature in individuals affected with IMPG1-related conditions. ClinVar contains an entry for this variant (Variation ID: 834865). An algorithm developed to predict the effect of missense changes on protein structure and function (PolyPhen-2) suggests that this variant is likely to be tolerated. In summary, the available evidence is currently insufficient to determine the role of this variant in disease. Therefore, it has been classified as a Variant of Uncertain Significance.

Ambry Genetics
Classification: Uncertain significance. Last evaluated: 2023-12-28. Review status: criteria provided, single submitter. Criteria: Ambry Variant Classification Scheme 2023. Collection method: clinical testing. Allele origin: germline.

Blueprint Genetics
Classification: Uncertain significance. Last evaluated: 2020-12-11. Review status: criteria provided, single submitter. Criteria: ACMG Guidelines, 2015. Collection method: clinical testing. Allele origin: germline.